The following is an entry in ClinVar:

NM_005535.3(IL12RB1):c.1519C>G (p.Leu507Val)

Gene: IL12RB1 (interleukin 12 receptor subunit beta 1; minus strand). Cytogenetic location: 19p13.11.
Variant type: single nucleotide variant.
Coding change: c.1519C>G on transcript NM_005535.3 (MANE Select); coding-DNA position 1519, C replaced by G.
Protein change: p.Leu507Val; replaces leucine 507 with valine.
Molecular consequence: missense variant.
Genome position (GRCh38, 1-based): chr19:18,063,975, G>C on the plus strand (C>G on the coding strand, the complement: IL12RB1 is on the minus strand). VCF-style: chr19-18063975-G-C. GRCh37 (hg19) VCF-style: chr19-18174785-G-C.
Other names: c.1519C>G, p.Leu507Val (NM_001290023.2); c.1639C>G, p.Leu547Val (NM_001290024.2); short protein forms L507V, L547V.
Identifiers: ClinVar variation 1492406 (VCV001492406.8), dbSNP rs751957558, ClinGen allele CA404776434.

ClinVar aggregate classification (germline): Uncertain significance (1 of 4 stars; one submission).

Conditions:
Mendelian susceptibility to mycobacterial diseases due to complete IL12RB1 deficiency. Also called: IL12RB1 DEFICIENCY; Immunodeficiency 30. Identifiers: Orphanet 319552, MedGen C4013949, MONDO:0013955, OMIM 614891.

Submission:

Labcorp Genetics (formerly Invitae), Labcorp
Classification: Uncertain significance for Mendelian susceptibility to mycobacterial diseases due to complete IL12RB1 deficiency. Last evaluated: 2024-02-17. Review status: criteria provided, single submitter. Criteria: Invitae Variant Classification Sherloc (09022015). Collection method: clinical testing. Allele origin: germline.
Comment: This sequence change replaces leucine, which is neutral and non-polar, with valine, which is neutral and non-polar, at codon 507 of the IL12RB1 protein (p.Leu507Val). This variant is not present in population databases (gnomAD no frequency). This variant has not been reported in the literature in individuals affected with IL12RB1-related conditions. ClinVar contains an entry for this variant (Variation ID: 1492406). Advanced modeling of protein sequence and biophysical properties (such as structural, functional, and spatial information, amino acid conservation, physicochemical variation, residue mobility, and thermodynamic stability) performed at Invitae indicates that this missense variant is not expected to disrupt IL12RB1 protein function with a negative predictive value of 80%. In summary, the available evidence is currently insufficient to determine the role of this variant in disease. Therefore, it has been classified as a Variant of Uncertain Significance.